The following is an entry in ClinVar:

ClinVar aggregate classification (germline): Uncertain significance. Review status: criteria provided, multiple submitters, no conflicts (2 of 4 stars). 3 submissions from 3 submitters: Uncertain significance (3). Last evaluated 2024-08-12.

Allele frequency attached by ClinVar (database versions not stated): ESP Exome Variant Server 0.00008; ExAC 0.00009; gnomAD 0.00009; gnomAD exomes 0.00011 and 0.00020; TOPMed 0.00012.
gnomAD v4.1: 307 of 1,613,944 alleles (0.019%); highest among the groups gnomAD compares: Non-Finnish European, 0.024%; no homozygotes.

Submissions (3):

Blueprint Genetics
Classification: Uncertain significance. Last evaluated: 2024-08-12. Review status: criteria provided, single submitter. Criteria: ACMG Guidelines, 2015. Collection method: clinical testing. Allele origin: germline.

Labcorp Genetics (formerly Invitae), Labcorp
Classification: Uncertain significance. Last evaluated: 2022-04-07. Review status: criteria provided, single submitter. Criteria: Invitae Variant Classification Sherloc (09022015). Collection method: clinical testing. Allele origin: germline.
Comment: This sequence change replaces threonine, which is neutral and polar, with methionine, which is neutral and non-polar, at codon 123 of the C1QC protein (p.Thr123Met). This variant is present in population databases (rs369345026, gnomAD 0.05%). This variant has not been reported in the literature in individuals affected with C1QC-related conditions. Algorithms developed to predict the effect of missense changes on protein structure and function are either unavailable or do not agree on the potential impact of this missense change (SIFT: "Deleterious"; PolyPhen-2: "Probably Damaging"; Align-GVGD: "Class C15"). In summary, the available evidence is currently insufficient to determine the role of this variant in disease. Therefore, it has been classified as a Variant of Uncertain Significance.

Breakthrough Genomics
Classification: Uncertain significance. Review status: criteria provided, single submitter. Criteria: ACMG Guidelines, 2015. Collection method: not provided. Allele origin: germline. Inheritance: Autosomal recessive inheritance. Affected: yes.

NM_172369.5(C1QC):c.368C>T (p.Thr123Met)

Gene: C1QC (complement C1q C chain; plus strand). Cytogenetic location: 1p36.12.
Variant type: single nucleotide variant.
Coding change: c.368C>T on transcript NM_172369.5 (MANE Select); coding-DNA position 368, C replaced by T.
Protein change: p.Thr123Met; replaces threonine 123 with methionine.
Molecular consequence: missense variant.
Genome position (GRCh38, 1-based): chr1:22,647,413, C>T. VCF-style: chr1-22647413-C-T. GRCh37 (hg19) VCF-style: chr1-22973906-C-T.
Other names: c.368C>T, p.Thr123Met (NM_001114101.3, NM_001347619.2); c.101C>T, p.Thr34Met (NM_001347620.2); short protein forms T123M, T34M.
Identifiers: ClinVar variation 1485884 (VCV001485884.5), dbSNP rs369345026, ClinGen allele CA677957.